The following is an entry in ClinVar:

NM_000522.5(HOXA13):c.123T>G (p.Ala41=)

Genes: HOXA13 (homeobox A13; minus strand), LOC107126288 (NUP98-HOXA13 recombination region; plus strand). Cytogenetic location: 7p15.2.
Variant type: single nucleotide variant.
Coding change: c.123T>G on transcript NM_000522.5 (MANE Select); coding-DNA position 123, T replaced by G.
Protein change: p.Ala41=; no amino-acid change (alanine 41 retained).
Molecular consequence: synonymous variant.
Genome position (GRCh38, 1-based): chr7:27,199,955, A>C on the plus strand (T>G on the coding strand, the complement: HOXA13 is on the minus strand). VCF-style: chr7-27199955-A-C. GRCh37 (hg19) VCF-style: chr7-27239574-A-C.
Identifiers: ClinVar variation 3355843 (VCV003355843.1).
Genomic context (GRCh38, chr7:27,199,955, plus strand): 5'-CGGGTGGGGGAAGCCCCCGCCCCCGGCCCCGGCAGCCGCCGCCGCTGCAGCCGCTGCTGC[A>C]GCCGCCGCCGCCCCTTCCATGTTCTTGTTGAGCTCGTCGGCCACCAGGCCGCCGCCGTTG-3'
Protein context (NP_000513.2, residues 31-51): LNKNMEGAAA[Ala41=]AAAAAAAAAA

ClinVar aggregate classification (germline): Likely benign (0 of 4 stars; one submission).

Conditions:
HOXA13-related disorder. Also called: HOXA13-related condition.

Submission:

PreventionGenetics, part of Exact Sciences
Classification: Likely benign for HOXA13-related condition. Last evaluated: 2024-05-15. Review status: no assertion criteria provided. Collection method: clinical testing. Allele origin: germline.
Comment: This variant is classified as likely benign based on ACMG/AMP sequence variant interpretation guidelines (Richards et al. 2015 PMID: 25741868, with internal and published modifications).